The following is an entry in ClinVar:

NM_006393.3(NEBL):c.450T>G (p.His150Gln)

Gene: NEBL (nebulette; minus strand). Cytogenetic location: 10p12.31.
Variant type: single nucleotide variant.
Coding change: c.450T>G on transcript NM_006393.3 (MANE Select); coding-DNA position 450, T replaced by G.
Protein change: p.His150Gln; replaces histidine 150 with glutamine.
Molecular consequence: missense variant. On other transcripts: intron variant (9).
Genome position (GRCh38, 1-based): chr10:20,880,824, A>C on the plus strand (T>G on the coding strand, the complement: NEBL is on the minus strand). VCF-style: chr10-20880824-A-C. GRCh37 (hg19) VCF-style: chr10-21169753-A-C.
Other names: c.250-67884T>G (NM_001377326.1, NM_001377327.1, NM_001377328.1); c.358-67884T>G (NM_213569.2, NM_001173484.2, NM_001377322.1); c.301-67884T>G (NM_001377324.1); c.292-67884T>G (NM_001377325.1); c.310-67884T>G (NM_001377323.1); short protein forms H150Q.
Identifiers: ClinVar variation 3403997 (VCV003403997.1).

ClinVar aggregate classification (germline): Uncertain significance (1 of 4 stars; one submission).

Submission:

Ambry Genetics
Classification: Uncertain significance. Last evaluated: 2024-07-17. Review status: criteria provided, single submitter. Criteria: Ambry Variant Classification Scheme 2023. Collection method: clinical testing. Allele origin: germline.
Comment: The p.H150Q variant (also known as c.450T>G), located in coding exon 5 of the NEBL gene, results from a T to G substitution at nucleotide position 450. The histidine at codon 150 is replaced by glutamine, an amino acid with highly similar properties. This amino acid position is conserved. In addition, this alteration is predicted to be tolerated by in silico analysis. Based on the available evidence, the clinical significance of this variant remains unclear.